The following is an entry in ClinVar:

ClinVar aggregate classification (germline): Benign/Likely benign. Review status: criteria provided, multiple submitters, no conflicts (2 of 4 stars). 4 submissions from 4 submitters: Benign (2); Likely benign (2). Last evaluated 2026-08-01.

Conditions:
Developmental and epileptic encephalopathy, 12 (DEE12). Identifiers: MedGen C3150988, MONDO:0013389, OMIM 613722.

Allele frequency attached by ClinVar (database versions not stated): ESP Exome Variant Server 0.00500; gnomAD exomes 0.00518 and 0.00700; gnomAD 0.00550 and 0.00563; TOPMed 0.00595; 1000 Genomes Project 0.00319; 1000 Genomes Project 30x 0.00328; ExAC 0.00498.
gnomAD v4.1: 9,642 of 1,412,042 alleles (0.68%); highest among the groups gnomAD compares: Non-Finnish European, 0.81%; 39 homozygotes.

Submissions (4):

CeGaT Center for Human Genetics Tuebingen
Classification: Likely benign. Last evaluated: 2026-08-01. Review status: criteria provided, single submitter. Criteria: CeGaT Center For Human Genetics Tuebingen Variant Classification Criteria Version 2. Collection method: clinical testing. Allele origin: germline. Affected: yes. Observed: 25 variant alleles.
Comment: PLCB1: BS2

Labcorp Genetics (formerly Invitae), Labcorp
Classification: Benign for Developmental and epileptic encephalopathy, 12. Last evaluated: 2026-02-02. Review status: criteria provided, single submitter. Criteria: Invitae Variant Classification Sherloc (09022015). Collection method: clinical testing. Allele origin: germline.

ARUP Laboratories, Molecular Genetics and Genomics, ARUP Laboratories
Classification: Benign for Developmental and epileptic encephalopathy, 12. Last evaluated: 2025-03-05. Review status: criteria provided, single submitter. Criteria: ARUP Molecular Germline Variant Investigation Process 2024. Collection method: clinical testing. Allele origin: germline.

Blueprint Genetics
Classification: Likely benign. Last evaluated: 2024-11-28. Review status: criteria provided, single submitter. Criteria: ACMG Guidelines, 2015. Collection method: clinical testing. Allele origin: germline.

NM_015192.4(PLCB1):c.2309-15A>C

Gene: PLCB1 (phospholipase C beta 1; plus strand). Cytogenetic location: 20p12.3.
Variant type: single nucleotide variant.
Coding change: c.2309-15A>C on transcript NM_015192.4 (MANE Select); 15 bases into the intron before coding-DNA position 2309, A replaced by C.
Molecular consequence: intron variant.
Genome position (GRCh38, 1-based): chr20:8,740,329, A>C. VCF-style: chr20-8740329-A-C. GRCh37 (hg19) VCF-style: chr20-8720976-A-C.
Other names: c.2309-15A>C (NM_182734.3).
Identifiers: ClinVar variation 339509 (VCV000339509.45), dbSNP rs117816042, ClinGen allele CA9760204.